The following is an entry in ClinVar:

ClinVar aggregate classification (germline): Uncertain significance. Review status: criteria provided, multiple submitters, no conflicts (2 of 4 stars). 2 submissions from 2 submitters: Uncertain significance (2). Last evaluated 2026-06-09.

Conditions:
Inborn genetic diseases. Identifiers: MedGen C0950123, MeSH D030342.
Pulmonary fibrosis and/or bone marrow failure, Telomere-related, 3. Also called: PULMONARY FIBROSIS AND/OR BONE MARROW FAILURE SYNDROME, TELOMERE-RELATED, 3. Identifiers: Orphanet 2032, MedGen C4225346, MONDO:0014613, OMIM 616373.
Dyskeratosis congenita, autosomal recessive 5 (DKCB5). Identifiers: MedGen C3554656, MONDO:0014076, OMIM 615190.

Submissions (2):

Ambry Genetics
Classification: Uncertain significance for Inborn genetic diseases. Last evaluated: 2026-06-09. Review status: criteria provided, single submitter. Criteria: Ambry Variant Classification Scheme 2023. Collection method: clinical testing. Allele origin: germline.
Comment: The p.F912L variant (also known as c.2734T>C), located in coding exon 28 of the RTEL1 gene, results from a T to C substitution at nucleotide position 2734. The phenylalanine at codon 912 is replaced by leucine, an amino acid with highly similar properties. This amino acid position is conserved. In addition, this alteration is predicted to be tolerated by in silico analysis. Based on the available evidence, the clinical significance of this variant remains unclear.

Labcorp Genetics (formerly Invitae), Labcorp
Classification: Uncertain significance for Dyskeratosis congenita, autosomal recessive 5; Pulmonary fibrosis and/or bone marrow failure, Telomere-related, 3. Last evaluated: 2025-07-09. Review status: criteria provided, single submitter. Criteria: Invitae Variant Classification Sherloc (09022015). Collection method: clinical testing. Allele origin: germline.
Comment: This sequence change replaces phenylalanine, which is neutral and non-polar, with leucine, which is neutral and non-polar, at codon 912 of the RTEL1 protein (p.Phe912Leu). This variant is not present in population databases (gnomAD no frequency). This variant has not been reported in the literature in individuals affected with RTEL1-related conditions. ClinVar contains an entry for this variant (Variation ID: 2415938). An algorithm developed to predict the effect of missense changes on protein structure and function (PolyPhen-2) suggests that this variant is likely to be disruptive. In summary, the available evidence is currently insufficient to determine the role of this variant in disease. Therefore, it has been classified as a Variant of Uncertain Significance.

NM_001283009.2(RTEL1):c.2734T>C (p.Phe912Leu)

Genes: RTEL1 (regulator of telomere elongation helicase 1; plus strand), RTEL1-TNFRSF6B (RTEL1-TNFRSF6B readthrough (NMD candidate); plus strand). Cytogenetic location: 20q13.33.
Variant type: single nucleotide variant.
Coding change: c.2734T>C on transcript NM_001283009.2 (MANE Select); coding-DNA position 2734, T replaced by C.
Protein change: p.Phe912Leu; replaces phenylalanine 912 with leucine.
Molecular consequence: missense variant. On other transcripts: non-coding transcript variant (1).
Genome position (GRCh38, 1-based): chr20:63,692,886, T>C. VCF-style: chr20-63692886-T-C. GRCh37 (hg19) VCF-style: chr20-62324239-T-C.
Other names: c.2065T>C, p.Phe689Leu (NM_001283010.1); c.2734T>C, p.Phe912Leu (NM_016434.4); c.2806T>C, p.Phe936Leu (NM_032957.5); short protein forms F689L, F912L, F936L.
Identifiers: ClinVar variation 2415938 (VCV002415938.11), dbSNP rs2517165261, ClinGen allele CA409682933.